The following is an entry in ClinVar:

NM_005051.3(QARS1):c.703+17A>T

Gene: QARS1 (glutaminyl-tRNA synthetase 1; minus strand). Cytogenetic location: 3p21.31.
Variant type: single nucleotide variant.
Coding change: c.703+17A>T on transcript NM_005051.3 (MANE Select); 17 bases into the intron after coding-DNA position 703, A replaced by T.
Molecular consequence: intron variant.
Genome position (GRCh38, 1-based): chr3:49,101,811, T>A on the plus strand (A>T on the coding strand, the complement: QARS1 is on the minus strand). VCF-style: chr3-49101811-T-A. GRCh37 (hg19) VCF-style: chr3-49139244-T-A.
Other names: c.670+17A>T (NM_001272073.2).
Identifiers: ClinVar variation 387244 (VCV000387244.9), dbSNP rs60002662, ClinGen allele CA2392050.

ClinVar aggregate classification (germline): Likely benign. Review status: criteria provided, multiple submitters, no conflicts (2 of 4 stars). 2 submissions from 2 submitters: Likely benign (2). Last evaluated 2025-08-13.

Conditions:
Diffuse cerebral and cerebellar atrophy - intractable seizures - progressive microcephaly syndrome. Also called: Microcephaly, progressive, with seizures and cerebral and cerebellar atrophy. Identifiers: Orphanet 404437, MedGen C4014239, MONDO:0014335, OMIM 615760.

Allele frequency attached by ClinVar (database versions not stated): ExAC 0.00003; TOPMed 0.00006; gnomAD 0.00009; 1000 Genomes Project 0.00040; 1000 Genomes Project 30x 0.00078.
gnomAD v4.1: 31 of 1,610,678 alleles (0.0019%); highest among the groups gnomAD compares: African/African-American, 0.032%; no homozygotes.

Submissions (2):

Labcorp Genetics (formerly Invitae), Labcorp
Classification: Likely benign for Diffuse cerebral and cerebellar atrophy - intractable seizures - progressive microcephaly syndrome. Last evaluated: 2025-08-13. Review status: criteria provided, single submitter. Criteria: Invitae Variant Classification Sherloc (09022015). Collection method: clinical testing. Allele origin: germline.

GeneDx
Classification: Likely benign. Last evaluated: 2017-06-13. Review status: criteria provided, single submitter. Criteria: GeneDx Variant Classification (06012015). Collection method: clinical testing. Allele origin: germline. Affected: yes.
Comment: This variant is considered likely benign or benign based on one or more of the following criteria: it is a conservative change, it occurs at a poorly conserved position in the protein, it is predicted to be benign by multiple in silico algorithms, and/or has population frequency not consistent with disease.